The following is an entry in ClinVar:

NM_000020.3(ACVRL1):c.269G>T (p.Cys90Phe)

Gene: ACVRL1 (activin A receptor like type 1; plus strand). Cytogenetic location: 12q13.13.
Variant type: single nucleotide variant.
Coding change: c.269G>T on transcript NM_000020.3 (MANE Select); coding-DNA position 269, G replaced by T.
Protein change: p.Cys90Phe; replaces cysteine 90 with phenylalanine.
Molecular consequence: missense variant.
Genome position (GRCh38, 1-based): chr12:51,913,306, G>T. VCF-style: chr12-51913306-G-T. GRCh37 (hg19) VCF-style: chr12-52307090-G-T.
Other names: c.269G>T, p.Cys90Phe (NM_001077401.2); short protein forms C90F.
Identifiers: ClinVar variation 652184 (VCV000652184.12), dbSNP rs863223410, ClinGen allele CA384898042.

ClinVar aggregate classification (germline): Pathogenic. Review status: criteria provided, multiple submitters, no conflicts (2 of 4 stars). 2 submissions from 2 submitters: Pathogenic (2). Last evaluated 2024-05-22.

Conditions:
Telangiectasia, hereditary hemorrhagic, type 2 (HHT2). Also called: ACVRL1-Related Hereditary Hemorrhagic Telangiectasia; Telangiectasia, hereditary hemorrhagic, type II. Identifiers: Orphanet 774, MedGen C1838163, MONDO:0010880, OMIM 600376. Disease mechanism: loss of function.
Cardiovascular phenotype. Identifiers: MedGen CN230736.

Submissions (2):

Labcorp Genetics (formerly Invitae), Labcorp
Classification: Pathogenic for Telangiectasia, hereditary hemorrhagic, type 2. Last evaluated: 2024-05-22. Review status: criteria provided, single submitter. Criteria: Invitae Variant Classification Sherloc (09022015). Collection method: clinical testing. Allele origin: germline.
Comment: This sequence change replaces cysteine, which is neutral and slightly polar, with phenylalanine, which is neutral and non-polar, at codon 90 of the ACVRL1 protein (p.Cys90Phe). This variant is not present in population databases (gnomAD no frequency). This missense change has been observed in individuals with hereditary hemorrhagic telangiectasia (Invitae). ClinVar contains an entry for this variant (Variation ID: 652184). Advanced modeling of protein sequence and biophysical properties (such as structural, functional, and spatial information, amino acid conservation, physicochemical variation, residue mobility, and thermodynamic stability) performed at Invitae indicates that this missense variant is expected to disrupt ACVRL1 protein function with a positive predictive value of 95%. This variant affects a cysteine residue located within the ACVRL1 protein ectodomain. Cysteine residues in this domain of ACVRL1 are involved in the formation of disulfide bridges critical for protein structure and stability (PMID: 22028876, 22718755, 22799562). In addition, missense substitutions within the ACVRL1 ectodomain affecting cysteine residues are overrepresented in patients with HHT (PMID: 20501893, 26176610 and an online resource). This variant disrupts the p.Cys90 amino acid residue in ACVRL1. Other variant(s) that disrupt this residue have been observed in individuals with ACVRL1-related conditions (PMID: 16705692, 24196379), which suggests that this may be a clinically significant amino acid residue. For these reasons, this variant has been classified as Pathogenic.

Ambry Genetics
Classification: Pathogenic for Cardiovascular phenotype. Last evaluated: 2020-10-05. Review status: criteria provided, single submitter. Criteria: Ambry Variant Classification Scheme 2023. Collection method: clinical testing. Allele origin: germline.
Comment: The p.C90F pathogenic mutation (also known as c.269G>T), located in coding exon 2 of the ACVRL1 gene, results from a G to T substitution at nucleotide position 269. The cysteine at codon 90 is replaced by phenylalanine, an amino acid with highly dissimilar properties. This alteration was identified in two individuals in one family; however, specific phenotype information was not provided (Goulielmos GN et al. IJNTR, 2016 Feb;2(1):32-6). Based on internal structural analysis, C90F disrupts a structurally important disulfide bond at a position with internal pathogenic variants (Townson SA et al. J. Biol. Chem., 2012 Aug;287:27313-25). Two other alterations at the same codon, p.C90Y (c.269G>A) and p.C90W (c.270C>G), have been described in individuals with suspected or confirmed hereditary hemorrhagic telangiectasia (Lesca G et al. Hum. Mutat., 2006 Jun;27:598; Gedge F et al. J Mol Diagn, 2007 Apr;9:258-65; Komiyama M et al. J. Hum. Genet., 2014 Jan;59:37-41). This variant was not reported in population-based cohorts in the Genome Aggregation Database (gnomAD). This amino acid position is highly conserved in available vertebrate species. In addition, this alteration is predicted to be deleterious by in silico analysis. Based on the supporting evidence, this alteration is interpreted as a disease-causing mutation.

Literature cited by the submitters: PubMed 22028876 (cited by Labcorp Genetics (formerly Invitae), Labcorp); PubMed 22718755 (cited by Labcorp Genetics (formerly Invitae), Labcorp and Ambry Genetics); PubMed 22799562 (cited by Labcorp Genetics (formerly Invitae), Labcorp); PubMed 20501893 (cited by Labcorp Genetics (formerly Invitae), Labcorp); PubMed 26176610 (cited by Labcorp Genetics (formerly Invitae), Labcorp); PubMed 16705692 (cited by Labcorp Genetics (formerly Invitae), Labcorp and Ambry Genetics); PubMed 24196379 (cited by Labcorp Genetics (formerly Invitae), Labcorp and Ambry Genetics); PubMed 17384219 (cited by Ambry Genetics).